The following is an entry in ClinVar:

NM_001369.3(DNAH5):c.5281_5282insAGCAG (p.Arg1761fs)

Gene: DNAH5 (dynein axonemal heavy chain 5; minus strand). Cytogenetic location: 5p15.2.
Variant type: Insertion.
Coding change: c.5281_5282insAGCAG on transcript NM_001369.3 (MANE Select); coding-DNA positions 5281 to 5282, AGCAG inserted.
Protein change: p.Arg1761fs; shifts the reading frame from arginine 1761.
Molecular consequence: frameshift variant.
Genome position: GRCh38 VCF-style: chr5-13841894-C-CCTGCT. GRCh37 (hg19) VCF-style: chr5-13842003-C-CCTGCT.
Other names: short protein forms R1761fs.
Identifiers: ClinVar variation 5010909 (VCV005010909.1).

ClinVar aggregate classification (germline): Pathogenic (1 of 4 stars; one submission).

Conditions:
Primary ciliary dyskinesia 3. Identifiers: Orphanet 244, MedGen C1837618, MONDO:0012085, OMIM 608644.

Submission:

Myriad Genetics, Inc.
Classification: Pathogenic for Primary ciliary dyskinesia 3. Last evaluated: 2024-05-14. Review status: criteria provided, single submitter. Criteria: Myriad Autosomal Dominant, Autosomal Recessive and X-Linked Classification Criteria (2023). Collection method: clinical testing. Allele origin: unknown.
Comment: NM_001369.2(DNAH5):c.5281_5282ins5(R1761Qfs*45) is expected to be pathogenic in the context of primary ciliary dyskinesia, DNAH5-related. This variant is predicted to lead to an abnormal or absent protein product due to the creation of a premature termination codon in DNAH5, a gene where loss-of-function variants are known to be pathogenic. Please note: this variant was assessed in the context of healthy population screening.